The following is an entry in ClinVar:

NM_032816.5(CEP89):c.2171C>A (p.Ser724Tyr)

Gene: CEP89 (centrosomal protein 89; minus strand). Cytogenetic location: 19q13.11.
Variant type: single nucleotide variant.
Coding change: c.2171C>A on transcript NM_032816.5 (MANE Select); coding-DNA position 2171, C replaced by A.
Protein change: p.Ser724Tyr; replaces serine 724 with tyrosine.
Molecular consequence: missense variant.
Genome position (GRCh38, 1-based): chr19:32,879,343, G>T on the plus strand (C>A on the coding strand, the complement: CEP89 is on the minus strand). VCF-style: chr19-32879343-G-T. GRCh37 (hg19) VCF-style: chr19-33370249-G-T.
Other names: short protein forms S724Y.
Identifiers: ClinVar variation 3647103 (VCV003647103.2).
Genomic context (GRCh38, chr19:32,879,343, plus strand): 5'-CCTGTCCTCGTGAGTGTGTCCTGGAGAAGTTCTCGGATTCTTCGGTTTTCCCTGAAGGTA[G>T]ATTCCCAAATAACTTCAAGTTCACCTTCCATTTCTCTGAGGGAAATAAGTTTAAAATGGC-3'
Protein context (NP_116205.3, residues 714-734): MEGELEVIWE[Ser724Tyr]TFRENRRIRE

ClinVar aggregate classification (germline): Uncertain significance (1 of 4 stars; one submission).

Submission:

Labcorp Genetics (formerly Invitae), Labcorp
Classification: Uncertain significance. Last evaluated: 2025-09-02. Review status: criteria provided, single submitter. Criteria: Invitae Variant Classification Sherloc (09022015). Collection method: clinical testing. Allele origin: germline.
Comment: This sequence change replaces serine, which is neutral and polar, with tyrosine, which is neutral and polar, at codon 724 of the CEP89 protein (p.Ser724Tyr). This variant is not present in population databases (gnomAD no frequency). This variant has not been reported in the literature in individuals affected with CEP89-related conditions. ClinVar contains an entry for this variant (Variation ID: 3647103). An algorithm developed to predict the effect of missense changes on protein structure and function (PolyPhen-2) suggests that this variant is likely to be disruptive. In summary, the available evidence is currently insufficient to determine the role of this variant in disease. Therefore, it has been classified as a Variant of Uncertain Significance.